The following is an entry in ClinVar:

ClinVar aggregate classification (germline): Uncertain significance (1 of 4 stars; one submission).

Conditions:
Joubert syndrome 21 (JBTS21). Identifiers: MedGen C3810212, MONDO:0014288, OMIM 615636.

Allele frequency attached by ClinVar (database versions not stated): TOPMed 0.00001.

Submission:

Labcorp Genetics (formerly Invitae), Labcorp
Classification: Uncertain significance for Joubert syndrome 21. Last evaluated: 2022-07-12. Review status: criteria provided, single submitter. Criteria: Invitae Variant Classification Sherloc (09022015). Collection method: clinical testing. Allele origin: germline.
Comment: Algorithms developed to predict the effect of missense changes on protein structure and function output the following: SIFT: "Tolerated"; PolyPhen-2: "Benign"; Align-GVGD: "Class C0". The serine amino acid residue is found in multiple mammalian species, which suggests that this missense change does not adversely affect protein function. In summary, the available evidence is currently insufficient to determine the role of this variant in disease. Therefore, it has been classified as a Variant of Uncertain Significance. This variant has not been reported in the literature in individuals affected with CSPP1-related conditions. This variant is not present in population databases (gnomAD no frequency). This sequence change replaces threonine, which is neutral and polar, with serine, which is neutral and polar, at codon 840 of the CSPP1 protein (p.Thr840Ser). ClinVar contains an entry for this variant (Variation ID: 1512036).

NM_001382391.1(CSPP1):c.2533A>T (p.Thr845Ser)

Gene: CSPP1 (centrosome and spindle pole associated protein 1; plus strand). Cytogenetic location: 8q13.2.
Variant type: single nucleotide variant.
Coding change: c.2533A>T on transcript NM_001382391.1 (MANE Select); coding-DNA position 2533, A replaced by T.
Protein change: p.Thr845Ser; replaces threonine 845 with serine.
Molecular consequence: missense variant.
Genome position (GRCh38, 1-based): chr8:67,159,132, A>T. VCF-style: chr8-67159132-A-T. GRCh37 (hg19) VCF-style: chr8-68071367-A-T.
Other names: c.1483A>T, p.Thr495Ser (NM_001291339.2); c.2452A>T, p.Thr818Ser (NM_001363131.2); c.2338A>T, p.Thr780Ser (NM_001363132.2); c.2257A>T, p.Thr753Ser (NM_001363133.2); c.2599A>T, p.Thr867Ser (NM_001364869.1); c.2419A>T, p.Thr807Ser (NM_001364870.1); c.2518A>T, p.Thr840Ser (NM_024790.7); short protein forms T495S, T753S, T807S, T840S, T867S, T780S, T818S, T845S.
Identifiers: ClinVar variation 1512036 (VCV001512036.8), dbSNP rs1484918109, ClinGen allele CA371190598.